The following is an entry in ClinVar:

ClinVar aggregate classification (germline): Uncertain significance (1 of 4 stars; one submission).

Conditions:
Multiple gastrointestinal atresias. Also called: FAMILIAL INTESTINAL POLYATRESIA SYNDROME; Multiple intestinal atresia. Identifiers: Orphanet 2300, MedGen C0220744, MONDO:0009465.

Submission:

Labcorp Genetics (formerly Invitae), Labcorp
Classification: Uncertain significance for Multiple gastrointestinal atresias. Last evaluated: 2021-10-09. Review status: criteria provided, single submitter. Criteria: Invitae Variant Classification Sherloc (09022015). Collection method: clinical testing. Allele origin: germline.
Comment: In summary, the available evidence is currently insufficient to determine the role of this variant in disease. Therefore, it has been classified as a Variant of Uncertain Significance. Algorithms developed to predict the effect of missense changes on protein structure and function (SIFT, PolyPhen-2, Align-GVGD) all suggest that this variant is likely to be tolerated. This variant has not been reported in the literature in individuals affected with TTC7A-related conditions. This variant is not present in population databases (ExAC no frequency). This sequence change replaces threonine with proline at codon 198 of the TTC7A protein (p.Thr198Pro). The threonine residue is weakly conserved and there is a small physicochemical difference between threonine and proline.

NM_020458.4(TTC7A):c.592A>C (p.Thr198Pro)

Genes: TTC7A (tetratricopeptide repeat domain 7A; plus strand), LOC126806211 (CDK7 strongly-dependent group 2 enhancer GRCh37_chr2:47201305-47202504; plus strand). Cytogenetic location: 2p21.
Variant type: single nucleotide variant.
Coding change: c.592A>C on transcript NM_020458.4 (MANE Select); coding-DNA position 592, A replaced by C.
Protein change: p.Thr198Pro; replaces threonine 198 with proline.
Molecular consequence: missense variant. On other transcripts: 5 prime UTR variant (1).
Genome position (GRCh38, 1-based): chr2:46,975,047, A>C. VCF-style: chr2-46975047-A-C. GRCh37 (hg19) VCF-style: chr2-47202186-A-C.
Other names: c.592A>C, p.Thr198Pro (NM_001288951.2); c.490A>C, p.Thr164Pro (NM_001288953.2); c.-313A>C (NM_001288955.2); short protein forms T164P, T198P.
Identifiers: ClinVar variation 1523834 (VCV001523834.6), dbSNP rs139708012, ClinGen allele CA346723123.